The following is an entry in ClinVar:

ClinVar aggregate classification (germline): Uncertain significance. Review status: criteria provided, multiple submitters, no conflicts (2 of 4 stars). 3 submissions from 3 submitters: Uncertain significance (2). 1 of the submissions does not count toward it. Last evaluated 2022-05-30.

Conditions:
CA2-related disorder. Also called: CA2-related condition.

Allele frequency attached by ClinVar (database versions not stated): TOPMed below 0.00001; gnomAD 0.00001; ExAC 0.00002; gnomAD exomes 0.00002.
gnomAD v4.1: 25 of 1,613,678 alleles (0.0015%); highest among the groups gnomAD compares: Admixed American, 0.005%; no homozygotes.

Submissions (3):

Labcorp Genetics (formerly Invitae), Labcorp
Classification: Uncertain significance. Last evaluated: 2022-05-30. Review status: criteria provided, single submitter. Criteria: Invitae Variant Classification Sherloc (09022015). Collection method: clinical testing. Allele origin: germline.
Comment: In summary, the available evidence is currently insufficient to determine the role of this variant in disease. Therefore, it has been classified as a Variant of Uncertain Significance. Algorithms developed to predict the effect of missense changes on protein structure and function (SIFT, PolyPhen-2, Align-GVGD) all suggest that this variant is likely to be disruptive. ClinVar contains an entry for this variant (Variation ID: 1309474). This variant has not been reported in the literature in individuals affected with CA2-related conditions. This variant is present in population databases (rs745556921, gnomAD 0.006%). This sequence change replaces arginine, which is basic and polar, with cysteine, which is neutral and slightly polar, at codon 245 of the CA2 protein (p.Arg245Cys).

GeneDx
Classification: Uncertain significance. Last evaluated: 2019-11-06. Review status: criteria provided, single submitter. Criteria: GeneDx Variant Classification Process June 2021. Collection method: clinical testing. Allele origin: germline. Affected: yes.
Comment: In silico analysis, which includes protein predictors and evolutionary conservation, supports a deleterious effect; Has not been previously published as pathogenic or benign to our knowledge

PreventionGenetics, part of Exact Sciences
Classification: Uncertain significance for CA2-related condition. Last evaluated: 2023-11-22. Review status: no assertion criteria provided. Collection method: clinical testing. Allele origin: germline. Not counted in ClinVar's aggregate classification.
Comment: The CA2 c.733C>T variant is predicted to result in the amino acid substitution p.Arg245Cys. To our knowledge, this variant has not been reported in the literature. This variant is reported in 0.0057% of alleles in individuals of Latino descent in gnomAD. Although we suspect that this variant may be pathogenic, at this time, the clinical significance of this variant is uncertain due to the absence of conclusive functional and genetic evidence.

NM_000067.3(CA2):c.733C>T (p.Arg245Cys)

Gene: CA2 (carbonic anhydrase 2; plus strand). Cytogenetic location: 8q21.2.
Variant type: single nucleotide variant.
Coding change: c.733C>T on transcript NM_000067.3 (MANE Select); coding-DNA position 733, C replaced by T.
Protein change: p.Arg245Cys; replaces arginine 245 with cysteine.
Molecular consequence: missense variant.
Genome position (GRCh38, 1-based): chr8:85,480,739, C>T. VCF-style: chr8-85480739-C-T. GRCh37 (hg19) VCF-style: chr8-86392968-C-T.
Other names: c.430C>T, p.Arg144Cys (NM_001293675.2); short protein forms R144C, R245C.
Identifiers: ClinVar variation 1309474 (VCV001309474.7), dbSNP rs745556921, ClinGen allele CA4796628.
Genomic context (GRCh38, chr8:85,480,739, plus strand): 5'-TTCCGTAAACTTAACTTCAATGGGGAGGGTGAACCCGAAGAACTGATGGTGGACAACTGG[C>T]GCCCAGCTCAGCCACTGAAGAACAGGCAAATCAAAGCTTCCTTCAAATAAGATGGTCCCA-3'
Protein context (NP_000058.1, residues 235-255): EPEELMVDNW[Arg245Cys]PAQPLKNRQI